The following is an entry in ClinVar:

NC_000001.10:g.(?_74954853)_(75009666_?)dup

Genes: FPGT-TNNI3K (FPGT-TNNI3K readthrough; plus strand), TNNI3K (TNNI3 interacting kinase; plus strand). Cytogenetic location: 1p31.1.
Variant type: Duplication.
Identifiers: ClinVar variation 3248000 (VCV003248000.1).

ClinVar aggregate classification (germline): Uncertain significance (1 of 4 stars; one submission).

Submission:

Labcorp Genetics (formerly Invitae), Labcorp
Classification: Uncertain significance. Last evaluated: 2023-10-25. Review status: criteria provided, single submitter. Criteria: Invitae Variant Classification Sherloc (09022015). Collection method: clinical testing. Allele origin: unknown.
Comment: This variant results in a copy number gain of the genomic region encompassing exon(s) 22-25 of the TNNI3K gene. This region includes the termination codon of the gene. This copy number gain extends beyond the assayed region for this gene and therefore may encompass additional genes. As the precise location of this event is unknown, it may be in tandem or it may be located elsewhere in the genome. This variant has not been reported in the literature in individuals affected with TNNI3K-related conditions. Experimental studies and prediction algorithms are not available or were not evaluated, and the functional significance of this variant is currently unknown. In summary, the available evidence is currently insufficient to determine the role of this variant in disease. Therefore, it has been classified as a Variant of Uncertain Significance.